The following is an entry in ClinVar:

NM_001377299.1(NDUFS2):c.536G>A (p.Arg179His)

Gene: NDUFS2 (NADH:ubiquinone oxidoreductase core subunit S2; plus strand). Cytogenetic location: 1q23.3.
Variant type: single nucleotide variant.
Coding change: c.536G>A on transcript NM_001377299.1 (MANE Select); coding-DNA position 536, G replaced by A.
Protein change: p.Arg179His; replaces arginine 179 with histidine.
Molecular consequence: missense variant. On other transcripts: non-coding transcript variant (1).
Genome position (GRCh38, 1-based): chr1:161,209,504, G>A. VCF-style: chr1-161209504-G-A. GRCh37 (hg19) VCF-style: chr1-161179294-G-A.
Other names: c.536G>A, p.Arg179His (NM_001166159.2, NM_001377298.1, NM_001377300.1 and 4 more transcripts); short protein forms R179H.
Identifiers: ClinVar variation 2419208 (VCV002419208.6), dbSNP rs1665654027, ClinGen allele CA343379458.

ClinVar aggregate classification (germline): Uncertain significance (1 of 4 stars; one submission).

Allele frequency attached by ClinVar (database versions not stated): gnomAD exomes below 0.00001; gnomAD 0.00001; TOPMed 0.00001.
gnomAD v4.1: 8 of 1,613,638 alleles (0.0005%); highest among the groups gnomAD compares: South Asian, 0.0022%; no homozygotes.

Submission:

Labcorp Genetics (formerly Invitae), Labcorp
Classification: Uncertain significance. Last evaluated: 2024-06-24. Review status: criteria provided, single submitter. Criteria: Invitae Variant Classification Sherloc (09022015). Collection method: clinical testing. Allele origin: germline.
Comment: This sequence change replaces arginine, which is basic and polar, with histidine, which is basic and polar, at codon 179 of the NDUFS2 protein (p.Arg179His). This variant is not present in population databases (gnomAD no frequency). This variant has not been reported in the literature in individuals affected with NDUFS2-related conditions. ClinVar contains an entry for this variant (Variation ID: 2419208). Advanced modeling of protein sequence and biophysical properties (such as structural, functional, and spatial information, amino acid conservation, physicochemical variation, residue mobility, and thermodynamic stability) performed at Invitae indicates that this missense variant is expected to disrupt NDUFS2 protein function with a positive predictive value of 80%. In summary, the available evidence is currently insufficient to determine the role of this variant in disease. Therefore, it has been classified as a Variant of Uncertain Significance.